The following is an entry in ClinVar:

ClinVar aggregate classification (germline): Uncertain significance. Review status: criteria provided, multiple submitters, no conflicts (2 of 4 stars). 2 submissions from 2 submitters: Uncertain significance (2). Last evaluated 2023-09-13.

Conditions:
Hereditary cancer-predisposing syndrome. Also called: Hereditary neoplastic syndrome; Neoplastic Syndromes, Hereditary; Tumor predisposition; Hereditary Cancer Syndrome. Identifiers: Orphanet 140162, MedGen C0027672, MeSH D009386, MONDO:0015356.
Familial adenomatous polyposis 1 (FAP1). Also called: POLYPOSIS, ADENOMATOUS INTESTINAL; FAMILIAL ADENOMATOUS POLYPOSIS 1, ATTENUATED. Identifiers: MedGen C2713442, MONDO:0021056, OMIM 175100. Disease mechanism: loss of function.

Submissions (2):

Ambry Genetics
Classification: Uncertain significance for Hereditary cancer-predisposing syndrome. Last evaluated: 2023-09-13. Review status: criteria provided, single submitter. Criteria: Ambry Variant Classification Scheme 2023. Collection method: clinical testing. Allele origin: germline.
Comment: The p.S833R variant (also known as c.2499C>G), located in coding exon 15 of the APC gene, results from a C to G substitution at nucleotide position 2499. The serine at codon 833 is replaced by arginine, an amino acid with dissimilar properties. This amino acid position is conserved. In addition, in silico predictors for this gene do not accurately predict pathogenicity. Since supporting evidence is limited at this time, the clinical significance of this alteration remains unclear.

Labcorp Genetics (formerly Invitae), Labcorp
Classification: Uncertain significance for Familial adenomatous polyposis 1. Last evaluated: 2022-02-08. Review status: criteria provided, single submitter. Criteria: Invitae Variant Classification Sherloc (09022015). Collection method: clinical testing. Allele origin: germline.
Comment: This sequence change replaces serine, which is neutral and polar, with arginine, which is basic and polar, at codon 833 of the APC protein (p.Ser833Arg). This variant is not present in population databases (gnomAD no frequency). This variant has not been reported in the literature in individuals affected with APC-related conditions. ClinVar contains an entry for this variant (Variation ID: 469750). Algorithms developed to predict the effect of missense changes on protein structure and function (SIFT, PolyPhen-2, Align-GVGD) all suggest that this variant is likely to be tolerated. In summary, the available evidence is currently insufficient to determine the role of this variant in disease. Therefore, it has been classified as a Variant of Uncertain Significance.

NM_000038.6(APC):c.2499C>G (p.Ser833Arg)

Gene: APC (APC regulator of Wnt signaling pathway; plus strand). Cytogenetic location: 5q22.2.
Variant type: single nucleotide variant.
Coding change: c.2499C>G on transcript NM_000038.6 (MANE Select); coding-DNA position 2499, C replaced by G.
Protein change: p.Ser833Arg; replaces serine 833 with arginine.
Molecular consequence: missense variant.
Genome position (GRCh38, 1-based): chr5:112,838,093, C>G. VCF-style: chr5-112838093-C-G. GRCh37 (hg19) VCF-style: chr5-112173790-C-G.
Other names: c.2499C>G, p.Ser833Arg (NM_001127510.3, NM_001354895.2); c.2445C>G, p.Ser815Arg (NM_001127511.3); c.2553C>G, p.Ser851Arg (NM_001354896.2); c.2529C>G, p.Ser843Arg (NM_001354897.2); c.2424C>G, p.Ser808Arg (NM_001354898.2); c.2415C>G, p.Ser805Arg (NM_001354899.2); c.2376C>G, p.Ser792Arg (NM_001354900.2); c.2322C>G, p.Ser774Arg (NM_001354901.2); and 5 more; short protein forms S833R, S815R, S707R, S732R, S843R, S673R, S805R, S550R.
Identifiers: ClinVar variation 469750 (VCV000469750.11), dbSNP rs1554084221, ClinGen allele CA16026815.